The following is an entry in ClinVar:

ClinVar aggregate classification (germline): Conflicting classifications of pathogenicity. Review status: criteria provided, conflicting classifications (1 of 4 stars). 4 submissions from 4 submitters: Uncertain significance (1); Likely benign (2). 1 of the submissions does not count toward it. Last evaluated 2025-06-01.

Allele frequency attached by ClinVar (database versions not stated): ExAC 0.00006; gnomAD 0.00026 and 0.00024; gnomAD exomes 0.00022 and 0.00052; TOPMed 0.00026.
gnomAD v4.1: 740 of 1,537,180 alleles (0.048%); highest among the groups gnomAD compares: Non-Finnish European, 0.062%; no homozygotes.

Submissions (4):

Mayo Clinic Laboratories, Mayo Clinic
Classification: Uncertain significance. Last evaluated: 2025-06-01. Review status: criteria provided, single submitter. Criteria: ACMG Guidelines, 2015. Collection method: clinical testing. Allele origin: germline. Observed: 1 variant allele.
Comment: BP4_moderate

Labcorp Genetics (formerly Invitae), Labcorp
Classification: Likely benign. Last evaluated: 2023-10-11. Review status: criteria provided, single submitter. Criteria: Invitae Variant Classification Sherloc (09022015). Collection method: clinical testing. Allele origin: germline.

Breakthrough Genomics
Classification: Likely benign. Review status: criteria provided, single submitter. Criteria: ACMG Guidelines, 2015. Collection method: not provided. Allele origin: germline. Inheritance: Autosomal dominant inheritance. Affected: yes.

Department of Pathology and Laboratory Medicine, Sinai Health System
Classification: Likely benign. Review status: no assertion criteria provided. Collection method: clinical testing. Allele origin: unknown. Affected: yes. Study: The Canadian Open Genetics Repository (COGR). Not counted in ClinVar's aggregate classification.
Comment: The RNF213 p.Gln1549Lys variant was not identified in the literature nor was it identified in ClinVar or LOVD 3.0. The variant was identified in dbSNP (ID: rs565004625) and in control databases in 37 of 173306 chromosomes at a frequency of 0.0002135 (Genome Aggregation Database March 6, 2019, v2.1.1). The variant was observed in the following populations: European (non-Finnish) in 34 of 73756 chromosomes (freq: 0.000461), African in 2 of 16310 chromosomes (freq: 0.000123) and European (Finnish) in 1 of 8886 chromosomes (freq: 0.000113), but was not observed in the Latino, Ashkenazi Jewish, East Asian, Other, or South Asian populations. The p.Gln1549 residue is not conserved in mammals and computational analyses (SIFT, AlignGVGD, BLOSUM, MutationTaster) do not suggest a high likelihood of impact to the protein; however, this information is not predictive enough to rule out pathogenicity. The variant occurs outside of the splicing consensus sequence and in silico or computational prediction software programs (SpliceSiteFinder, MaxEntScan, NNSPLICE, GeneSplicer) do not predict a difference in splicing. In summary, based on the above information the clinical significance of this variant cannot be determined with certainty at this time although we would lean towards a more benign role for this variant. This variant is classified as likely benign.

NM_001256071.3(RNF213):c.4645C>A (p.Gln1549Lys)

Gene: RNF213 (ring finger protein 213; plus strand). Cytogenetic location: 17q25.3.
Variant type: single nucleotide variant.
Coding change: c.4645C>A on transcript NM_001256071.3 (MANE Select); coding-DNA position 4645, C replaced by A.
Protein change: p.Gln1549Lys; replaces glutamine 1549 with lysine.
Molecular consequence: missense variant.
Genome position (GRCh38, 1-based): chr17:80,337,703, C>A. VCF-style: chr17-80337703-C-A. GRCh37 (hg19) VCF-style: chr17-78311503-C-A.
Other names: p.Gln1549Lys; short protein forms Q1549K.
Identifiers: ClinVar variation 1049243 (VCV001049243.5), dbSNP rs565004625, ClinGen allele CA8820277.